The following is an entry in ClinVar:

ClinVar aggregate classification (germline): Uncertain significance (1 of 4 stars; one submission).

gnomAD v4.1: 4 of 1,614,178 alleles (0.00025%); highest among the groups gnomAD compares: Non-Finnish European, 0.00034%; no homozygotes.

Submission:

Labcorp Genetics (formerly Invitae), Labcorp
Classification: Uncertain significance. Last evaluated: 2024-11-19. Review status: criteria provided, single submitter. Criteria: Invitae Variant Classification Sherloc (09022015). Collection method: clinical testing. Allele origin: germline.
Comment: This sequence change replaces serine, which is neutral and polar, with alanine, which is neutral and non-polar, at codon 411 of the AARS2 protein (p.Ser411Ala). This variant is not present in population databases (gnomAD no frequency). This variant has not been reported in the literature in individuals affected with AARS2-related conditions. Invitae Evidence Modeling of protein sequence and biophysical properties (such as structural, functional, and spatial information, amino acid conservation, physicochemical variation, residue mobility, and thermodynamic stability) indicates that this missense variant is not expected to disrupt AARS2 protein function with a negative predictive value of 80%. In summary, the available evidence is currently insufficient to determine the role of this variant in disease. Therefore, it has been classified as a Variant of Uncertain Significance.

NM_020745.4(AARS2):c.1231T>G (p.Ser411Ala)

Gene: AARS2 (alanyl-tRNA synthetase 2, mitochondrial; minus strand). Cytogenetic location: 6p21.1.
Variant type: single nucleotide variant.
Coding change: c.1231T>G on transcript NM_020745.4 (MANE Select); coding-DNA position 1231, T replaced by G.
Protein change: p.Ser411Ala; replaces serine 411 with alanine.
Molecular consequence: missense variant.
Genome position (GRCh38, 1-based): chr6:44,306,349, A>C on the plus strand (T>G on the coding strand, the complement: AARS2 is on the minus strand). VCF-style: chr6-44306349-A-C. GRCh37 (hg19) VCF-style: chr6-44274086-A-C.
Other names: short protein forms S411A.
Identifiers: ClinVar variation 3696343 (VCV003696343.2).